The following is an entry in ClinVar:

NM_002485.5(NBN):c.1165dup (p.Met389fs)

Gene: NBN (nibrin; minus strand). Cytogenetic location: 8q21.3.
Variant type: Duplication.
Coding change: c.1165dup on transcript NM_002485.5 (MANE Select); coding-DNA position 1165, one base duplicated (A; older notation c.1165dupA).
Protein change: p.Met389fs; shifts the reading frame from methionine 389.
Molecular consequence: frameshift variant.
Genome position (GRCh38, 1-based): chr8:89,955,515, T duplicated on the plus strand (A on the coding strand, the reverse complement: NBN is on the minus strand); the first of 4 consecutive T bases (chr8:89,955,515-89,955,518); duplicating any one gives the same sequence. VCF-style (leftmost placement, unchanged base first): chr8-89955514-A-AT. GRCh37 (hg19) VCF-style: chr8-90967742-A-AT.
Other names: c.919dup, p.Met307fs (NM_001024688.3); short protein forms M307fs, M389fs.
Identifiers: ClinVar variation 1429777 (VCV001429777.6), dbSNP rs2129721709, ClinGen allele CA2573143346.

ClinVar aggregate classification (germline): Pathogenic (1 of 4 stars; one submission).

Conditions:
Microcephaly, normal intelligence and immunodeficiency (NBS). Also called: Nijmegen breakage syndrome; Microcephaly with normal intelligence immunodeficiency and lymphoreticular malignancies; Nonsyndromal microcephaly autosomal recessive with normal intelligence; Seemanova syndrome 2; IMMUNODEFICIENCY, MICROCEPHALY, AND CHROMOSOMAL INSTABILITY; BERLIN BREAKAGE SYNDROME. Identifiers: Orphanet 647, MedGen C0398791, MONDO:0009623, OMIM 251260.

Submission:

Labcorp Genetics (formerly Invitae), Labcorp
Classification: Pathogenic for Microcephaly, normal intelligence and immunodeficiency. Last evaluated: 2021-10-09. Review status: criteria provided, single submitter. Criteria: Invitae Variant Classification Sherloc (09022015). Collection method: clinical testing. Allele origin: germline.
Comment: For these reasons, this variant has been classified as Pathogenic. This variant has not been reported in the literature in individuals affected with NBN-related conditions. This variant is not present in population databases (ExAC no frequency). This sequence change creates a premature translational stop signal (p.Met389Asnfs*24) in the NBN gene. It is expected to result in an absent or disrupted protein product. Loss-of-function variants in NBN are known to be pathogenic (PMID: 9590180, 16415040).

Literature cited by the submitters: PubMed 9590180; PubMed 16415040.